The following is an entry in ClinVar:

NM_000918.4(P4HB):c.1018A>G (p.Thr340Ala)

Gene: P4HB (prolyl 4-hydroxylase subunit beta; minus strand). Cytogenetic location: 17q25.3.
Variant type: single nucleotide variant.
Coding change: c.1018A>G on transcript NM_000918.4 (MANE Select); coding-DNA position 1018, A replaced by G.
Protein change: p.Thr340Ala; replaces threonine 340 with alanine.
Molecular consequence: missense variant.
Genome position (GRCh38, 1-based): chr17:81,846,467, T>C on the plus strand (A>G on the coding strand, the complement: P4HB is on the minus strand). VCF-style: chr17-81846467-T-C. GRCh37 (hg19) VCF-style: chr17-79804343-T-C.
Other names: short protein forms T340A.
Identifiers: ClinVar variation 2785270 (VCV002785270.3), dbSNP rs1490893064, ClinGen allele CA401508287.

ClinVar aggregate classification (germline): Uncertain significance (1 of 4 stars; one submission).

Allele frequency attached by ClinVar (database versions not stated): gnomAD exomes below 0.00001; TOPMed below 0.00001; gnomAD 0.00001.

Submission:

Labcorp Genetics (formerly Invitae), Labcorp
Classification: Uncertain significance. Last evaluated: 2024-01-28. Review status: criteria provided, single submitter. Criteria: Invitae Variant Classification Sherloc (09022015). Collection method: clinical testing. Allele origin: germline.
Comment: This sequence change replaces threonine, which is neutral and polar, with alanine, which is neutral and non-polar, at codon 340 of the P4HB protein (p.Thr340Ala). This variant is present in population databases (no rsID available, gnomAD 0.007%). This variant has not been reported in the literature in individuals affected with P4HB-related conditions. Advanced modeling of protein sequence and biophysical properties (such as structural, functional, and spatial information, amino acid conservation, physicochemical variation, residue mobility, and thermodynamic stability) performed at Invitae indicates that this missense variant is not expected to disrupt P4HB protein function with a negative predictive value of 80%. In summary, the available evidence is currently insufficient to determine the role of this variant in disease. Therefore, it has been classified as a Variant of Uncertain Significance.